The following is an entry in ClinVar:

NM_006767.4(LZTR1):c.632_633dup (p.Leu212fs)

Gene: LZTR1 (leucine zipper like post translational regulator 1; plus strand). Cytogenetic location: 22q11.21.
Variant type: Microsatellite.
Coding change: c.632_633dup on transcript NM_006767.4 (MANE Select); coding-DNA positions 632 to 633, 2 bases duplicated (AG; older notation c.632_633dupAG).
Protein change: p.Leu212fs; shifts the reading frame from leucine 212.
Molecular consequence: frameshift variant.
Genome position (GRCh38, 1-based): chr22:20,989,663-20,989,664, AG duplicated; duplicating any 2 consecutive bases within chr22:20,989,660-20,989,664 gives the same sequence; the c. name uses the placement nearest the transcript's 3' end. VCF-style (leftmost placement, unchanged base first): chr22-20989659-C-CGA. GRCh37 (hg19) VCF-style: chr22-21343948-C-CGA.
Other names: short protein forms L212fs.
Identifiers: ClinVar variation 3963272 (VCV003963272.1).

ClinVar aggregate classification (germline): Pathogenic (1 of 4 stars; one submission).

Conditions:
Cardiovascular phenotype. Identifiers: MedGen CN230736.
Hereditary cancer-predisposing syndrome. Also called: Tumor predisposition; Hereditary neoplastic syndrome; Hereditary Cancer Syndrome; Neoplastic Syndromes, Hereditary. Identifiers: Orphanet 140162, MedGen C0027672, MeSH D009386, MONDO:0015356.

Submission:

Ambry Genetics
Classification: Pathogenic for Cardiovascular phenotype; Hereditary cancer-predisposing syndrome. Last evaluated: 2025-04-08. Review status: criteria provided, single submitter. Criteria: Ambry Variant Classification Scheme 2023. Collection method: clinical testing. Allele origin: germline.
Comment: The c.632_633dupAG pathogenic mutation, located in coding exon 7 of the LZTR1 gene, results from a duplication of AG at nucleotide position 632, causing a translational frameshift with a predicted alternate stop codon (p.L212Sfs*41). This alteration is expected to result in loss of function by premature protein truncation or nonsense-mediated mRNA decay. Loss-of-function variants in LZTR1 are related to an increased risk for schwannomas and autosomal recessive Noonan syndrome; however, such associations with autosomal dominant Noonan syndrome have not been observed (Piotrowski A et al. Nat Genet. 2014 Feb;46:182-7; Yamamoto GL et al. J Med Genet. 2015 Jun;52:413-21; Johnston JJ et al. Genet Med. 2018 10;20:1175-1185). Based on the supporting evidence, this variant is pathogenic for an increased risk of LZTR1-related schwannomatosis (SWN) and would be expected to cause autosomal recessive Noonan syndrome when present along with a second pathogenic or likely pathogenic variant on the other allele; however, the association of this alteration with autosomal dominant Noonan syndrome is unlikely.